The following is an entry in ClinVar:

NM_000179.3(MSH6):c.2025G>C (p.Glu675Asp)

Gene: MSH6 (mutS homolog 6; plus strand). Cytogenetic location: 2p16.3.
Variant type: single nucleotide variant.
Coding change: c.2025G>C on transcript NM_000179.3 (MANE Select); coding-DNA position 2025, G replaced by C.
Protein change: p.Glu675Asp; replaces glutamic acid 675 with aspartic acid.
Molecular consequence: missense variant.
Genome position (GRCh38, 1-based): chr2:47,800,008, G>C. VCF-style: chr2-47800008-G-C. GRCh37 (hg19) VCF-style: chr2-48027147-G-C.
Other names: c.1635G>C, p.Glu545Asp (NM_001281492.2); c.1119G>C, p.Glu373Asp (NM_001281493.2, NM_001281494.2); short protein forms E675D, E545D, E373D.
Identifiers: ClinVar variation 89239 (VCV000089239.24), dbSNP rs587779223, ClinGen allele CA009565.
Genomic context (GRCh38, chr2:47,800,008, plus strand): 5'-ACCCCAGGTGCTTAAAGGTATGACTTCAGAGTCTGATTCCATTGGGTTGACACCAGGAGA[G>C]AAAAGTGAATTGGCCCTCTCTGCTCTAGGTGGTTGTGTCTTCTACCTCAAAAAATGCCTT-3'
Protein context (NP_000170.1, residues 665-685): ESDSIGLTPG[Glu675Asp]KSELALSALG

ClinVar aggregate classification (germline): Uncertain significance. Review status: criteria provided, multiple submitters, no conflicts (2 of 4 stars). 8 submissions from 8 submitters: Uncertain significance (7). 1 of the submissions does not count toward it. Last evaluated 2025-09-19.

Conditions:
Hereditary cancer-predisposing syndrome. Also called: Tumor predisposition; Hereditary Cancer Syndrome; Hereditary neoplastic syndrome; Neoplastic Syndromes, Hereditary. Identifiers: Orphanet 140162, MedGen C0027672, MeSH D009386, MONDO:0015356.
Lynch syndrome 5 (LYNCH5). Also called: Colorectal cancer, hereditary nonpolyposis, type 5; Hereditary non-polyposis colorectal cancer, type 5. Identifiers: Orphanet 144, MedGen C1833477, MONDO:0013710, OMIM 614350. Disease mechanism: loss of function.
Hereditary nonpolyposis colorectal neoplasms. Identifiers: MedGen C0009405, MeSH D003123.
Endometrial carcinoma. Also called: Endometrial carcinoma, somatic. Identifiers: MedGen C0476089, MONDO:0002447, OMIM 608089, HP:0012114.

Allele frequency attached by ClinVar (database versions not stated): gnomAD 0.00001; TOPMed 0.00001.
gnomAD v4.1: 1 of 1,614,014 alleles (0.000062%); highest among the groups gnomAD compares: Non-Finnish European, 0.000085%; no homozygotes.

Submissions (8):

Ambry Genetics
Classification: Uncertain significance for Hereditary cancer-predisposing syndrome. Last evaluated: 2025-09-19. Review status: criteria provided, single submitter. Criteria: Ambry Variant Classification Scheme 2023. Collection method: clinical testing. Allele origin: germline.
Comment: The p.E675D variant (also known as c.2025G>C), located in coding exon 4 of the MSH6 gene, results from a G to C substitution at nucleotide position 2025. The glutamic acid at codon 675 is replaced by aspartic acid, an amino acid with highly similar properties. This amino acid position is well conserved in available vertebrate species. In addition, this alteration is predicted to be tolerated by in silico analysis. Since supporting evidence is limited at this time, the clinical significance of this alteration remains unclear.

Color Diagnostics, LLC DBA Color Health
Classification: Uncertain significance for Hereditary cancer-predisposing syndrome. Last evaluated: 2025-04-09. Review status: criteria provided, single submitter. Criteria: ACMG Guidelines, 2015. Collection method: clinical testing. Allele origin: germline.
Comment: This missense variant replaces glutamic acid with aspartic acid at codon 675 of the MSH6 protein. Computational prediction suggests that this variant may not impact protein structure and function. To our knowledge, functional studies have not been reported for this variant. This variant has not been identified in the general population by the Genome Aggregation Database (gnomAD). The available evidence is insufficient to determine the role of this variant in disease conclusively. Therefore, this variant is classified as a Variant of Uncertain Significance.

Labcorp Genetics (formerly Invitae), Labcorp
Classification: Uncertain significance for Hereditary nonpolyposis colorectal neoplasms. Last evaluated: 2025-01-08. Review status: criteria provided, single submitter. Criteria: Invitae Variant Classification Sherloc (09022015). Collection method: clinical testing. Allele origin: germline.
Comment: This sequence change replaces glutamic acid, which is acidic and polar, with aspartic acid, which is acidic and polar, at codon 675 of the MSH6 protein (p.Glu675Asp). This variant is not present in population databases (gnomAD no frequency). This variant has not been reported in the literature in individuals affected with MSH6-related conditions. ClinVar contains an entry for this variant (Variation ID: 89239). Invitae Evidence Modeling of protein sequence and biophysical properties (such as structural, functional, and spatial information, amino acid conservation, physicochemical variation, residue mobility, and thermodynamic stability) indicates that this missense variant is not expected to disrupt MSH6 protein function with a negative predictive value of 95%. In summary, the available evidence is currently insufficient to determine the role of this variant in disease. Therefore, it has been classified as a Variant of Uncertain Significance.

Baylor Genetics
Classification: Uncertain significance for Endometrial carcinoma. Last evaluated: 2023-06-14. Review status: criteria provided, single submitter. Criteria: ACMG Guidelines, 2015. Collection method: clinical testing. Allele origin: unknown.

Myriad Genetics, Inc.
Classification: Uncertain significance for Lynch syndrome 5. Last evaluated: 2023-03-29. Review status: criteria provided, single submitter. Criteria: Myriad Autosomal Dominant, Autosomal Recessive and X-Linked Classification Criteria (2023). Collection method: clinical testing. Allele origin: unknown.
Comment: This variant is classified as a variant of uncertain significance as there is insufficient evidence to determine its impact on protein function and/or cancer risk.

GeneDx
Classification: Uncertain significance. Last evaluated: 2023-03-07. Review status: criteria provided, single submitter. Criteria: GeneDx Variant Classification Process June 2021. Collection method: clinical testing. Allele origin: germline. Affected: yes.
Comment: Not observed at significant frequency in large population cohorts (gnomAD); In silico analysis supports that this missense variant does not alter protein structure/function; Has not been previously published as pathogenic or benign to our knowledge; This variant is associated with the following publications: (PMID: 22290698, 23621914, 22949387, 17531815, 21120944)

Sema4
Classification: Uncertain significance for Hereditary cancer-predisposing syndrome. Last evaluated: 2021-07-07. Review status: criteria provided, single submitter. Criteria: Sema4 Curation Guidelines. Collection method: curation. Allele origin: germline.
Comment: The MSH6 c.2025G>C (p.E675D) variant has not been reported in the literature to our knowledge. It was not observed in the large and broad cohorts of the Genome Aggregation Database (PMID: 32461654). The variant has been reported in ClinVar (Variation ID 89239). Functional studies have not been performed, and in silico predictions of the variant's effect on protein function are inconclusive. The evidence is insufficient to meet ACMG/AMP criteria for classifying the variant as benign or pathogenic. Thus, the clinical significance of this variant is currently uncertain.

Counsyl
Classification: Uncertain significance for Lynch syndrome 5. Last evaluated: 2017-11-07. Review status: no assertion criteria provided. Collection method: clinical testing. Allele origin: unknown. Not counted in ClinVar's aggregate classification.